The following is an entry in ClinVar:

NM_000787.4(DBH):c.253G>A (p.Val85Ile)

Gene: DBH (dopamine beta-hydroxylase; plus strand). Cytogenetic location: 9q34.2.
Variant type: single nucleotide variant.
Coding change: c.253G>A on transcript NM_000787.4 (MANE Select); coding-DNA position 253, G replaced by A.
Protein change: p.Val85Ile; replaces valine 85 with isoleucine.
Molecular consequence: missense variant.
Genome position (GRCh38, 1-based): chr9:133,636,624, G>A. VCF-style: chr9-133636624-G-A. GRCh37 (hg19) VCF-style: chr9-136501746-G-A.
Other names: short protein forms V85I.
Identifiers: ClinVar variation 365632 (VCV000365632.10), dbSNP rs78445536, ClinGen allele CA5312982.

ClinVar aggregate classification (germline): Uncertain significance. Review status: criteria provided, multiple submitters, no conflicts (2 of 4 stars). 4 submissions from 4 submitters: Uncertain significance (4). Last evaluated 2022-10-13.

Conditions:
Orthostatic hypotension 1 (ORTHYP1). Also called: Dopamine beta-hydroxylase deficiency; Orthostatic hypotension 1, due to DBH deficiency; NORADRENALINE DEFICIENCY; NOREPINEPHRINE DEFICIENCY. Identifiers: Orphanet 230, MedGen C4746777, MONDO:0009123, OMIM 223360.
Inborn genetic diseases. Identifiers: MedGen C0950123, MeSH D030342.

Allele frequency attached by ClinVar (database versions not stated): gnomAD 0.00038; TOPMed 0.00073; ESP Exome Variant Server 0.00077.
gnomAD v4.1: 721 of 1,613,424 alleles (0.045%); highest among the groups gnomAD compares: African/African-American, 0.096%; no homozygotes.

Submissions (4):

Labcorp Genetics (formerly Invitae), Labcorp
Classification: Uncertain significance for Orthostatic hypotension 1. Last evaluated: 2022-10-13. Review status: criteria provided, single submitter. Criteria: Invitae Variant Classification Sherloc (09022015). Collection method: clinical testing. Allele origin: germline.
Comment: This sequence change replaces valine, which is neutral and non-polar, with isoleucine, which is neutral and non-polar, at codon 85 of the DBH protein (p.Val85Ile). This variant is present in population databases (rs78445536, gnomAD 0.1%). This variant has not been reported in the literature in individuals affected with DBH-related conditions. ClinVar contains an entry for this variant (Variation ID: 365632). Advanced modeling of protein sequence and biophysical properties (such as structural, functional, and spatial information, amino acid conservation, physicochemical variation, residue mobility, and thermodynamic stability) performed at Invitae indicates that this missense variant is not expected to disrupt DBH protein function. In summary, the available evidence is currently insufficient to determine the role of this variant in disease. Therefore, it has been classified as a Variant of Uncertain Significance.

Fulgent Genetics
Classification: Uncertain significance for Orthostatic hypotension 1. Last evaluated: 2022-04-26. Review status: criteria provided, single submitter. Criteria: ACMG Guidelines, 2015. Collection method: clinical testing. Allele origin: unknown.

Ambry Genetics
Classification: Uncertain significance for Inborn genetic diseases. Last evaluated: 2022-03-10. Review status: criteria provided, single submitter. Criteria: Ambry Variant Classification Scheme 2023. Collection method: clinical testing. Allele origin: germline.

Illumina Laboratory Services, Illumina
Classification: Uncertain significance for Orthostatic hypotension 1. Last evaluated: 2018-01-12. Review status: criteria provided, single submitter. Criteria: ICSL Variant Classification Criteria 13 December 2019. Collection method: clinical testing. Allele origin: germline.